The following is an entry in ClinVar:

ClinVar aggregate classification (germline): Uncertain significance. Review status: criteria provided, multiple submitters, no conflicts (2 of 4 stars). 4 submissions from 4 submitters: Uncertain significance (4). Last evaluated 2025-09-16.

Conditions:
Inborn genetic diseases. Identifiers: MedGen C0950123, MeSH D030342.
Neuropathy, hereditary sensory and autonomic, type 2A (HSAN2A). Also called: ACROOSTEOLYSIS, GIACCAI TYPE; ACROOSTEOLYSIS, NEUROGENIC; MORVAN DISEASE; NEUROPATHY, CONGENITAL SENSORY; NEUROPATHY, HEREDITARY SENSORY RADICULAR, AUTOSOMAL RECESSIVE; NEUROPATHY, HEREDITARY SENSORY, TYPE IIA. Identifiers: Orphanet 970, MedGen C2752089, MONDO:0024309, OMIM 201300.
Primary erythromelalgia. Also called: SCN9A Erythromelalgia (SCN9A-EM); primary erythermalgia. Identifiers: Orphanet 306577, Orphanet 90026, MedGen C0014805, MONDO:0007571, OMIM 133020.
Paroxysmal extreme pain disorder (PEXPD). Also called: PAIN, SUBMANDIBULAR, OCULAR, AND RECTAL, WITH FLUSHING; RECTAL PAIN, FAMILIAL; SCN9A Paroxysmal Extreme Pain Disorder (SCN9A-PEPD). Identifiers: Orphanet 46348, MedGen C1833661, MONDO:0008179, OMIM 167400.
Generalized epilepsy with febrile seizures plus. Also called: Generalized Epilepsy with Febrile Seizures Plus (GEFS+). Identifiers: Orphanet 36387, MedGen C3502809, MONDO:0018214.
Generalized epilepsy with febrile seizures plus, type 7 (GEFSP7). Also called: GEFS+, TYPE 7. Identifiers: Orphanet 36387, MedGen C2751778, MONDO:0013470, OMIM 613863.

Allele frequency attached by ClinVar (database versions not stated): gnomAD exomes 0.00001 and 0.00010; ExAC 0.00002; gnomAD 0.00005 and 0.00006; TOPMed 0.00005.

Submissions (4):

Labcorp Genetics (formerly Invitae), Labcorp
Classification: Uncertain significance for Neuropathy, hereditary sensory and autonomic, type 2A; Generalized epilepsy with febrile seizures plus, type 7. Last evaluated: 2025-09-16. Review status: criteria provided, single submitter. Criteria: Invitae Variant Classification Sherloc (09022015). Collection method: clinical testing. Allele origin: germline.
Comment: This sequence change replaces methionine, which is neutral and non-polar, with valine, which is neutral and non-polar, at codon 1090 of the SCN9A protein (p.Met1090Val). This variant is present in population databases (rs201699621, gnomAD 0.008%). This variant has not been reported in the literature in individuals affected with SCN9A-related conditions. ClinVar contains an entry for this variant (Variation ID: 1300405). Invitae Evidence Modeling of protein sequence and biophysical properties (such as structural, functional, and spatial information, amino acid conservation, physicochemical variation, residue mobility, and thermodynamic stability) indicates that this missense variant is not expected to disrupt SCN9A protein function with a negative predictive value of 95%. In summary, the available evidence is currently insufficient to determine the role of this variant in disease. Therefore, it has been classified as a Variant of Uncertain Significance.

Mayo Clinic Laboratories, Mayo Clinic
Classification: Uncertain significance. Last evaluated: 2025-04-29. Review status: criteria provided, single submitter. Criteria: ACMG Guidelines, 2015. Collection method: clinical testing. Allele origin: germline. Observed: 1 variant allele.
Comment: BP4

GeneDx
Classification: Uncertain significance. Last evaluated: 2021-09-23. Review status: criteria provided, single submitter. Criteria: GeneDx Variant Classification Process June 2021. Collection method: clinical testing. Allele origin: germline. Affected: yes.
Comment: Not observed at a significant frequency in large population cohorts (Lek et al., 2016); In silico analysis, which includes protein predictors and evolutionary conservation, supports that this variant does not alter protein structure/function; Has not been previously published as pathogenic or benign to our knowledge

Ambry Genetics
Classification: Uncertain significance for Inborn genetic diseases. Last evaluated: 2021-06-08. Review status: criteria provided, single submitter. Criteria: Ambry Variant Classification Scheme 2023. Collection method: clinical testing. Allele origin: germline.
Comment: The p.M1090V variant (also known as c.3268A>G), located in coding exon 16 of the SCN9A gene, results from an A to G substitution at nucleotide position 3268. The methionine at codon 1090 is replaced by valine, an amino acid with highly similar properties. This amino acid position is not well conserved in available vertebrate species. In addition, this alteration is predicted to be tolerated by in silico analysis. Since supporting evidence is limited at this time, the clinical significance of this alteration remains unclear.

NM_001365536.1(SCN9A):c.3301A>G (p.Met1101Val)

Genes: SCN1A-AS1 (SCN1A and SCN9A antisense RNA 1; plus strand), SCN9A (sodium voltage-gated channel alpha subunit 9; minus strand). Cytogenetic location: 2q24.3.
Variant type: single nucleotide variant.
Coding change: c.3301A>G on transcript NM_001365536.1 (MANE Select); coding-DNA position 3301, A replaced by G.
Protein change: p.Met1101Val; replaces methionine 1101 with valine.
Molecular consequence: missense variant.
Genome position (GRCh38, 1-based): chr2:166,272,449, T>C on the plus strand (A>G on the coding strand, the complement: SCN9A is on the minus strand). VCF-style: chr2-166272449-T-C. GRCh37 (hg19) VCF-style: chr2-167128959-T-C.
Other names: p.Met1090Val; c.3268A>G, p.Met1090Val (NM_002977.4); short protein forms M1090V, M1101V.
Identifiers: ClinVar variation 1300405 (VCV001300405.11), dbSNP rs201699621, ClinGen allele CA1944103.